The following is an entry in ClinVar:

NM_001267550.2(TTN):c.87836_87837del (p.Arg29279fs)

Genes: TTN (titin; minus strand), TTN-AS1 (TTN antisense RNA 1; plus strand). Cytogenetic location: 2q31.2.
Variant type: Deletion.
Coding change: c.87836_87837del on transcript NM_001267550.2 (MANE Select); coding-DNA positions 87836 to 87837, 2 bases deleted (GA; older notation c.87836_87837delGA).
Protein change: p.Arg29279fs; shifts the reading frame from arginine 29279.
Molecular consequence: frameshift variant.
Genome position (GRCh38, 1-based): chr2:178,557,425-178,557,426, TC deleted on the plus strand (GA on the coding strand, the reverse complement: TTN is on the minus strand); deleting any 2 consecutive bases within chr2:178,557,425-178,557,427 gives the same sequence; the c. name uses the placement nearest the transcript's 3' end. VCF-style (leftmost placement, unchanged base first): chr2-178557424-TTC-T. GRCh37 (hg19) VCF-style: chr2-179422151-TTC-T.
Other names: c.87836_87837del (NM_001267550.1); c.61016_61017del, p.Arg20339fs (NM_133432.3); c.61217_61218del, p.Arg20406fs (NM_133437.4); c.82913_82914del, p.Arg27638fs (NM_001256850.1); c.60641_60642del, p.Arg20214fs (NM_003319.4); c.80132_80133del, p.Arg26711fs (NM_133378.4); short protein forms R20214fs, R20339fs, R20406fs, R26711fs, R27638fs, R29279fs.
Identifiers: ClinVar variation 1067909 (VCV001067909.11), dbSNP rs2154155607, ClinGen allele CA2499215325.

ClinVar aggregate classification (germline): Likely pathogenic. Review status: criteria provided, multiple submitters, no conflicts (2 of 4 stars). 3 submissions from 3 submitters: Likely pathogenic (3). Last evaluated 2025-12-03.

Conditions:
Cardiovascular phenotype. Identifiers: MedGen CN230736.
Dilated cardiomyopathy 1G (CMD1G). Identifiers: Orphanet 154, MedGen C1858763, MONDO:0011400, OMIM 604145.
Autosomal recessive limb-girdle muscular dystrophy type 2J (LGMDR10). Also called: Limb-girdle muscular dystrophy, type 2J; MUSCULAR DYSTROPHY, LIMB-GIRDLE, AUTOSOMAL RECESSIVE 10. Identifiers: Orphanet 140922, MedGen C1837342, MONDO:0012127, OMIM 608807.

Submissions (3):

Molecular Diagnostic Laboratory for Inherited Cardiovascular Disease, Montreal Heart Institute
Classification: Likely pathogenic for Cardiovascular phenotype. Last evaluated: 2025-12-03. Review status: criteria provided, single submitter. Criteria: ACMG Guidelines, 2015. Collection method: clinical testing. Allele origin: germline. Affected: yes.
Comment: PVS1, PM2

GeneDx
Classification: Likely pathogenic. Last evaluated: 2025-03-28. Review status: criteria provided, single submitter. Criteria: GeneDx Variant Classification Process June 2021. Collection method: clinical testing. Allele origin: germline. Affected: yes.
Comment: Has not been previously published as pathogenic or benign to our knowledge; Not observed at significant frequency in large population cohorts (gnomAD); Frameshift variant predicted to result in protein truncation or nonsense mediated decay in a gene for which loss of function is a known mechanism of disease; Located in the A-band, a region of TTN for which truncating variants are significantly associated with autosomal dominant cardiomyopathy and also with autosomal recessive skeletal myopathies (PMID: 22335739, 32778822); This variant is associated with the following publications: (PMID: 22335739, 32778822)

Labcorp Genetics (formerly Invitae), Labcorp
Classification: Likely pathogenic for Dilated cardiomyopathy 1G; Autosomal recessive limb-girdle muscular dystrophy type 2J. Last evaluated: 2020-06-21. Review status: criteria provided, single submitter. Criteria: Invitae Variant Classification Sherloc (09022015). Collection method: clinical testing. Allele origin: germline.
Comment: This sequence change results in a premature translational stop signal in the TTN gene (p.Arg29279Lysfs*30). While this is not anticipated to result in nonsense mediated decay, it is expected to create a truncated TTN protein. This variant is not present in population databases (ExAC no frequency). This variant has not been reported in the literature in individuals with TTN-related conditions. This variant is located in the A band of TTN (PMID: 25589632). Truncating variants in this region are significantly overrepresented in patients affected with dilated cardiomyopathy (PMID: 25589632). Truncating variants in this region have also been reported in individuals affected with autosomal recessive centronuclear myopathy (PMID: 23975875). In summary, the currently available evidence indicates that the variant is pathogenic, but additional data are needed to prove that conclusively. Therefore, this variant has been classified as Likely Pathogenic.

Literature cited by the submitters: PubMed 25589632 (cited by Labcorp Genetics (formerly Invitae), Labcorp); PubMed 23975875 (cited by Labcorp Genetics (formerly Invitae), Labcorp).